The following is an entry in ClinVar:

NM_000018.4(ACADVL):c.86G>A (p.Gly29Glu)

Genes: ACADVL (acyl-CoA dehydrogenase very long chain; plus strand), LOC130060113 (ATAC-STARR-seq lymphoblastoid silent region 8088; plus strand). Cytogenetic location: 17p13.1.
Variant type: single nucleotide variant.
Coding change: c.86G>A on transcript NM_000018.4 (MANE Select); coding-DNA position 86, G replaced by A.
Protein change: p.Gly29Glu; replaces glycine 29 with glutamic acid.
Molecular consequence: missense variant. On other transcripts: 5 prime UTR variant (1).
Genome position (GRCh38, 1-based): chr17:7,220,145, G>A. VCF-style: chr17-7220145-G-A. GRCh37 (hg19) VCF-style: chr17-7123464-G-A.
Other names: c.86G>A, p.Gly29Glu (NM_001033859.3); c.155G>A, p.Gly52Glu (NM_001270447.2); c.-143G>A (NM_001270448.2); short protein forms G29E, G52E.
Identifiers: ClinVar variation 541722 (VCV000541722.6), dbSNP rs1247979958, ClinGen allele CA397722062.
Genomic context (GRCh38, chr17:7,220,145, plus strand): 5'-GGGCACCGGGCCGGCACTGAACCCCCACTCCCCACAGCTCGCGGCTCACGGCGCTCCTGG[G>A]GCAGCCCCGGCCCGGCCCTGCCCGGCGGCCCTATGCCGGGGGTGCCGCTCAGGTAAGTCA-3'
Protein context (NP_000009.1, residues 19-39): GGSSRLTALL[Gly29Glu]QPRPGPARRP

ClinVar aggregate classification (germline): Uncertain significance (1 of 4 stars; one submission).

Conditions:
Very long chain acyl-CoA dehydrogenase deficiency (ACADVLD). Also called: Very Long-Chain Acyl-Coenzyme A Dehydrogenase Deficiency; VLCAD Deficiency. Identifiers: Orphanet 26793, MedGen C3887523, MONDO:0008723, OMIM 201475.

Allele frequency attached by ClinVar (database versions not stated): gnomAD exomes below 0.00001.

Submission:

Labcorp Genetics (formerly Invitae), Labcorp
Classification: Uncertain significance for Very long chain acyl-CoA dehydrogenase deficiency. Last evaluated: 2021-08-26. Review status: criteria provided, single submitter. Criteria: Invitae Variant Classification Sherloc (09022015). Collection method: clinical testing. Allele origin: germline.
Comment: This sequence change replaces glycine with glutamic acid at codon 29 of the ACADVL protein (p.Gly29Glu). The glycine residue is moderately conserved and there is a moderate physicochemical difference between glycine and glutamic acid. The frequency data for this variant in the population databases is considered unreliable, as metrics indicate insufficient coverage at this position in the ExAC database. This variant has not been reported in the literature in individuals affected with ACADVL-related conditions. Algorithms developed to predict the effect of missense changes on protein structure and function output the following: SIFT: "Deleterious"; PolyPhen-2: "Not Available"; Align-GVGD: "Class C0". The glutamic acid amino acid residue is found in multiple mammalian species, which suggests that this missense change does not adversely affect protein function. In summary, the available evidence is currently insufficient to determine the role of this variant in disease. Therefore, it has been classified as a Variant of Uncertain Significance.